The following is an entry in ClinVar:

ClinVar aggregate classification (germline): Uncertain significance (1 of 4 stars; one submission).

Conditions:
Hereditary cancer-predisposing syndrome. Also called: Neoplastic Syndromes, Hereditary; Tumor predisposition; Hereditary Cancer Syndrome; Hereditary neoplastic syndrome. Identifiers: Orphanet 140162, MedGen C0027672, MeSH D009386, MONDO:0015356.

Submission:

Ambry Genetics
Classification: Uncertain significance for Hereditary cancer-predisposing syndrome. Last evaluated: 2021-09-15. Review status: criteria provided, single submitter. Criteria: Ambry Variant Classification Scheme 2023. Collection method: clinical testing. Allele origin: germline.
Comment: The p.S648R variant (also known as c.1944T>G), located in coding exon 4 of the MSH6 gene, results from a T to G substitution at nucleotide position 1944. The serine at codon 648 is replaced by arginine, an amino acid with dissimilar properties. This amino acid position is poorly conserved in available vertebrate species. In addition, this alteration is predicted to be tolerated by in silico analysis. Since supporting evidence is limited at this time, the clinical significance of this alteration remains unclear.

NM_000179.3(MSH6):c.1944T>G (p.Ser648Arg)

Gene: MSH6 (mutS homolog 6; plus strand). Cytogenetic location: 2p16.3.
Variant type: single nucleotide variant.
Coding change: c.1944T>G on transcript NM_000179.3 (MANE Select); coding-DNA position 1944, T replaced by G.
Protein change: p.Ser648Arg; replaces serine 648 with arginine.
Molecular consequence: missense variant.
Genome position (GRCh38, 1-based): chr2:47,799,927, T>G. VCF-style: chr2-47799927-T-G. GRCh37 (hg19) VCF-style: chr2-48027066-T-G.
Other names: c.1554T>G, p.Ser518Arg (NM_001281492.2); c.1038T>G, p.Ser346Arg (NM_001281493.2, NM_001281494.2, NM_001406811.1 and 6 more transcripts); c.2040T>G, p.Ser680Arg (NM_001406795.1, NM_001406802.1); c.1944T>G, p.Ser648Arg (NM_001406796.1, NM_001406798.1, NM_001406800.1 and 3 more transcripts); c.1647T>G, p.Ser549Arg (NM_001406797.1, NM_001406801.1, NM_001406805.1 and 10 more transcripts); c.1419T>G, p.Ser473Arg (NM_001406799.1, NM_001406806.1, NM_001406807.1); c.1866T>G, p.Ser622Arg (NM_001406804.1); c.1950T>G, p.Ser650Arg (NM_001406813.1); and 1 more; short protein forms S346R, S549R, S592R, S650R, S680R, S473R, S518R, S622R.
Identifiers: ClinVar variation 1783109 (VCV001783109.2), dbSNP rs2104377953, ClinGen allele CA346750489.